The following is an entry in ClinVar:

ClinVar aggregate classification (germline): Conflicting classifications of pathogenicity. Review status: criteria provided, conflicting classifications (1 of 4 stars). 5 submissions from 5 submitters: Uncertain significance (4); Benign (1). Last evaluated 2025-06-09.

Conditions:
Lymphangiomyomatosis (LAM). Also called: Lymphangioleiomyomatosis, somatic; Lymphangioleiomyomatosis. Identifiers: Orphanet 538, MedGen C0751674, MONDO:0011705, OMIM 606690.
Isolated focal cortical dysplasia type II (FCORD2). Also called: Focal cortical dysplasia type II; CORTICAL DYSPLASIA OF TAYLOR. Identifiers: Orphanet 268994, MedGen C1846385, MONDO:0011818, OMIM 607341, HP:0032051.
Tuberous sclerosis 2 (TSC2). Identifiers: Orphanet 805, MedGen C1860707, MONDO:0013199, OMIM 613254.
Hereditary cancer-predisposing syndrome. Also called: Hereditary Cancer Syndrome; Neoplastic Syndromes, Hereditary; Tumor predisposition; Hereditary neoplastic syndrome. Identifiers: Orphanet 140162, MedGen C0027672, MeSH D009386, MONDO:0015356.
Tuberous sclerosis syndrome (TSC). Also called: Tuberous Sclerosis Complex; Tuberous sclerosis. Identifiers: Orphanet 805, MedGen C0041341, MONDO:0001734.

Allele frequency attached by ClinVar (database versions not stated): gnomAD exomes below 0.00001 and 0.00001.
gnomAD v4.1: 9 of 1,613,894 alleles (0.00056%); highest among the groups gnomAD compares: South Asian, 0.0011%; no homozygotes.

Submissions (5):

Ambry Genetics
Classification: Uncertain significance for Hereditary cancer-predisposing syndrome. Last evaluated: 2025-06-09. Review status: criteria provided, single submitter. Criteria: Ambry Variant Classification Scheme 2023. Collection method: clinical testing. Allele origin: germline.
Comment: The p.A551V variant (also known as c.1652C>T), located in coding exon 15 of the TSC2 gene, results from a C to T substitution at nucleotide position 1652. The alanine at codon 551 is replaced by valine, an amino acid with similar properties. This amino acid position is poorly conserved in available vertebrate species. In addition, the in silico prediction for this alteration is inconclusive. Since supporting evidence is limited at this time, the clinical significance of this alteration remains unclear.

Labcorp Genetics (formerly Invitae), Labcorp
Classification: Benign for Tuberous sclerosis 2. Last evaluated: 2025-04-24. Review status: criteria provided, single submitter. Criteria: Invitae Variant Classification Sherloc (09022015). Collection method: clinical testing. Allele origin: germline.

CeGaT Center for Human Genetics Tuebingen
Classification: Uncertain significance. Last evaluated: 2023-11-01. Review status: criteria provided, single submitter. Criteria: CeGaT Center For Human Genetics Tuebingen Variant Classification Criteria Version 2. Collection method: clinical testing. Allele origin: germline. Affected: yes. Observed: 1 variant allele.
Comment: TSC2: PM2, BP4

All of Us Research Program, National Institutes of Health
Classification: Uncertain significance for Tuberous sclerosis syndrome. Last evaluated: 2023-02-22. Review status: criteria provided, single submitter. Criteria: ACMG Guidelines, 2015. Collection method: clinical testing. Allele origin: germline. Inheritance: Autosomal dominant inheritance. Observed: 1 variant allele, 1 heterozygote.
Comment: This missense variant replaces alanine with valine at codon 551 of the TSC2 protein. Computational prediction suggests that this variant may not impact protein structure and function (internally defined REVEL score threshold <= 0.5, PMID: 27666373). To our knowledge, functional studies have not been reported for this variant. This variant has not been reported in individuals affected with tuberous sclerosis complex in the literature. This variant has been identified in 1/250620 chromosomes in the general population by the Genome Aggregation Database (gnomAD). The available evidence is insufficient to determine the role of this variant in disease conclusively. Therefore, this variant is classified as a Variant of Uncertain Significance.

This study involves interpretation of variants in research participants for the purpose of population health screening. Participant phenotype was not available at the time of variant classification. Additional details can be found in publication PMID: 35346344, PMCID: PMC8962531

Fulgent Genetics
Classification: Uncertain significance for Lymphangiomyomatosis; Isolated focal cortical dysplasia type II; Tuberous sclerosis 2. Last evaluated: 2022-03-02. Review status: criteria provided, single submitter. Criteria: ACMG Guidelines, 2015. Collection method: clinical testing. Allele origin: unknown.

NM_000548.5(TSC2):c.1652C>T (p.Ala551Val)

Gene: TSC2 (TSC complex subunit 2; plus strand). Cytogenetic location: 16p13.3.
Variant type: single nucleotide variant.
Coding change: c.1652C>T on transcript NM_000548.5 (MANE Select); coding-DNA position 1652, C replaced by T.
Protein change: p.Ala551Val; replaces alanine 551 with valine.
Molecular consequence: missense variant.
Genome position (GRCh38, 1-based): chr16:2,065,571, C>T. VCF-style: chr16-2065571-C-T. GRCh37 (hg19) VCF-style: chr16-2115572-C-T.
Other names: c.1652C>T, p.Ala551Val (NM_001077183.3, NM_001114382.3, NM_001363528.2 and 3 more transcripts); c.1541C>T, p.Ala514Val (NM_001318827.2); c.1505C>T, p.Ala502Val (NM_001318829.2); c.1052C>T, p.Ala351Val (NM_001318831.2); c.1685C>T, p.Ala562Val (NM_001318832.2); short protein forms A502V, A351V, A514V, A562V, A551V.
Identifiers: ClinVar variation 840573 (VCV000840573.34), dbSNP rs1465307943, ClinGen allele CA394267993.